The following is an entry in ClinVar:

NM_013275.6(ANKRD11):c.7618C>T (p.Arg2540Trp)

Gene: ANKRD11 (ankyrin repeat domain 11; minus strand). Cytogenetic location: 16q24.3.
Variant type: single nucleotide variant.
Coding change: c.7618C>T on transcript NM_013275.6 (MANE Select); coding-DNA position 7618, C replaced by T.
Protein change: p.Arg2540Trp; replaces arginine 2540 with tryptophan.
Molecular consequence: missense variant.
Genome position (GRCh38, 1-based): chr16:89,274,909, G>A on the plus strand (C>T on the coding strand, the complement: ANKRD11 is on the minus strand). VCF-style: chr16-89274909-G-A. GRCh37 (hg19) VCF-style: chr16-89341317-G-A.
Other names: c.7618C>T (NM_013275.5); c.7618C>T, p.Arg2540Trp (NM_001256182.2, NM_001256183.2); short protein forms R2540W.
Identifiers: ClinVar variation 501282 (VCV000501282.13), dbSNP rs1555523386, ClinGen allele CA397147655.
Genomic context (GRCh38, chr16:89,274,909, plus strand): 5'-CCAGCAGCATCGTGCAGGCGCTGAATGGCACTGCCTGGTTGGCGATGGTCCTGGCCGCCC[G>A]GCAGTGAACCCGCAGAATCTCCTGCTCACAGGATACGATCAGCTTCTCCTGAAGGAGGAG-3'
Protein context (NP_037407.4, residues 2530-2550): CEQEILRVHC[Arg2540Trp]AARTIANQAV

ClinVar aggregate classification (germline): Conflicting classifications of pathogenicity. Review status: criteria provided, conflicting classifications (1 of 4 stars). 6 submissions from 6 submitters: Pathogenic (1); Uncertain significance (5). Last evaluated 2025-09-25.

Conditions:
KBG syndrome (KBGS). Also called: ANKRD11-Related KBG Syndrome. Identifiers: Orphanet 2332, MedGen C0220687, MONDO:0007846, OMIM 148050.

Allele frequency attached by ClinVar (database versions not stated): gnomAD exomes below 0.00001.
gnomAD v4.1: 2 of 1,613,592 alleles (0.00012%); highest among the groups gnomAD compares: Non-Finnish European, 0.00017%; no homozygotes.

Submissions (6):

GeneDx
Classification: Uncertain significance. Last evaluated: 2025-09-25. Review status: criteria provided, single submitter. Criteria: GeneDx Variant Classification Process June 2021. Collection method: clinical testing. Allele origin: germline. Affected: yes.
Comment: Not observed at significant frequency in large population cohorts (gnomAD); In silico analysis supports that this missense variant has a deleterious effect on protein structure/function; Missense variant in a gene in which most reported pathogenic variants are truncating/loss of function; Has not been previously published as pathogenic or benign to our knowledge

Institute of Human Genetics, University of Leipzig Medical Center
Classification: Uncertain significance for KBG syndrome. Last evaluated: 2024-08-07. Review status: criteria provided, single submitter. Criteria: ACMG Guidelines, 2015. Collection method: clinical testing. Allele origin: unknown. Inheritance: Autosomal dominant inheritance. Affected: yes.
Comment: Criteria applied: PS2_MOD,PS4_SUP,PM2_SUP

Equipe Genetique des Anomalies du Developpement, Université de Bourgogne
Classification: Pathogenic for KBG syndrome. Last evaluated: 2023-09-27. Review status: criteria provided, single submitter. Criteria: ACMG Guidelines, 2015. Collection method: clinical testing. Allele origin: de novo. Inheritance: Autosomal dominant inheritance. Affected: yes.

Blueprint Genetics
Classification: Uncertain significance. Last evaluated: 2022-06-22. Review status: criteria provided, single submitter. Criteria: ACMG Guidelines, 2015. Collection method: clinical testing. Allele origin: germline.

Fulgent Genetics
Classification: Uncertain significance for KBG syndrome. Last evaluated: 2018-10-31. Review status: criteria provided, single submitter. Criteria: ACMG Guidelines, 2015. Collection method: clinical testing. Allele origin: unknown.

Eurofins Ntd Llc (ga)
Classification: Uncertain significance. Last evaluated: 2017-04-04. Review status: criteria provided, single submitter. Criteria: EGL Classification Definitions 2015. Collection method: clinical testing. Allele origin: germline. Observed: 1 variant allele, 1 heterozygote.